The following is an entry in ClinVar:

NM_007294.4(BRCA1):c.1350A>T (p.Lys450Asn)

Gene: BRCA1 (BRCA1 DNA repair associated; minus strand). Cytogenetic location: 17q21.31.
Variant type: single nucleotide variant.
Coding change: c.1350A>T on transcript NM_007294.4 (MANE Select); coding-DNA position 1350, A replaced by T.
Protein change: p.Lys450Asn; replaces lysine 450 with asparagine.
Molecular consequence: missense variant. On other transcripts: intron variant (137).
Genome position (GRCh38, 1-based): chr17:43,094,181, T>A on the plus strand (A>T on the coding strand, the complement: BRCA1 is on the minus strand). VCF-style: chr17-43094181-T-A. GRCh37 (hg19) VCF-style: chr17-41246198-T-A.
Other names: c.1137A>T, p.Lys379Asn (NM_001407571.1, NM_001407896.1, NM_001407897.1 and 9 more transcripts); c.1350A>T, p.Lys450Asn (NM_001407581.1, NM_001407582.1, NM_001407583.1 and 30 more transcripts); c.1347A>T, p.Lys449Asn (NM_001407587.1, NM_001407590.1, NM_001407591.1 and 22 more transcripts); c.1341A>T, p.Lys447Asn (NM_001407646.1, NM_001407647.1); c.1227A>T, p.Lys409Asn (NM_001407648.1, NM_001407666.1, NM_001407667.1 and 19 more transcripts); c.1224A>T, p.Lys408Asn (NM_001407649.1, NM_001407670.1, NM_001407671.1 and 11 more transcripts); c.1272A>T, p.Lys424Asn (NM_001407653.1, NM_001407654.1, NM_001407655.1 and 4 more transcripts); c.1209A>T, p.Lys403Asn (NM_001407692.1, NM_001407694.1, NM_001407730.1 and 29 more transcripts); and 40 more; short protein forms K403N, K450N, K282N, K322N, K362N, K383N, K409N, K449N.
Identifiers: ClinVar variation 803417 (VCV000803417.8), dbSNP rs1597876640, ClinGen allele CA10599348.

ClinVar aggregate classification (germline): Conflicting classifications of pathogenicity. Review status: criteria provided, conflicting classifications (1 of 4 stars). 4 submissions from 4 submitters: Uncertain significance (3); Likely benign (1). Last evaluated 2024-07-30.

Conditions:
Hereditary cancer-predisposing syndrome. Also called: Hereditary Cancer Syndrome; Hereditary neoplastic syndrome; Neoplastic Syndromes, Hereditary; Tumor predisposition. Identifiers: Orphanet 140162, MedGen C0027672, MeSH D009386, MONDO:0015356.
Hereditary breast ovarian cancer syndrome. Also called: BRCA1- and BRCA2-Associated Hereditary Breast and Ovarian Cancer; Hereditary breast and ovarian cancer syndrome (HBOC); Hereditary breast and ovarian cancer syndrome; Breast and ovarian cancer; Hereditary breast and ovarian cancer; Hereditary breast and/or ovarian cancer syndrome. Identifiers: Orphanet 145, MedGen C0677776, MeSH D061325, MONDO:0003582. Disease mechanism: loss of function.
Breast-ovarian cancer, familial, susceptibility to, 1 (BROVCA1). Also called: OVARIAN CANCER, SUSCEPTIBILITY TO; BRCA1 Hereditary Breast and Ovarian Cancer. Identifiers: Orphanet 145, MedGen C2676676, MONDO:0011450, OMIM 604370. Disease mechanism: loss of function.

Submissions (4):

Labcorp Genetics (formerly Invitae), Labcorp
Classification: Uncertain significance for Hereditary breast ovarian cancer syndrome. Last evaluated: 2024-07-30. Review status: criteria provided, single submitter. Criteria: Invitae Variant Classification Sherloc (09022015). Collection method: clinical testing. Allele origin: germline.
Comment: This sequence change replaces lysine, which is basic and polar, with asparagine, which is neutral and polar, at codon 450 of the BRCA1 protein (p.Lys450Asn). This variant is not present in population databases (gnomAD no frequency). This missense change has been observed in individual(s) with breast cancer and/or colorectal cancer (PMID: 28135145, 29020660). ClinVar contains an entry for this variant (Variation ID: 803417). Advanced modeling of protein sequence and biophysical properties (such as structural, functional, and spatial information, amino acid conservation, physicochemical variation, residue mobility, and thermodynamic stability) performed at Invitae indicates that this missense variant is not expected to disrupt BRCA1 protein function with a negative predictive value of 95%. In summary, the available evidence is currently insufficient to determine the role of this variant in disease. Therefore, it has been classified as a Variant of Uncertain Significance.

Ambry Genetics
Classification: Uncertain significance for Hereditary cancer-predisposing syndrome. Last evaluated: 2024-01-14. Review status: criteria provided, single submitter. Criteria: Ambry Variant Classification Scheme 2023. Collection method: clinical testing. Allele origin: germline.
Comment: The p.K450N variant (also known as c.1350A>T), located in coding exon 9 of the BRCA1 gene, results from an A to T substitution at nucleotide position 1350. The lysine at codon 450 is replaced by asparagine, an amino acid with similar properties. This variant has been reported in an individual affected with colorectal cancer (Yurgelun MB et al. J Clin Oncol, 2017 Apr;35:1086-1095) and in an individual affected with breast cancer who has family history of breast and/or ovarian cancer (Santonocito C et al. Breast, 2017 Dec;36:74-78). This amino acid position is well conserved in available vertebrate species. In addition, the in silico prediction for this alteration is inconclusive. Since supporting evidence is limited at this time, the clinical significance of this alteration remains unclear.

University of Washington Department of Laboratory Medicine, University of Washington
Classification: Likely benign for Hereditary cancer-predisposing syndrome. Last evaluated: 2023-03-23. Review status: criteria provided, single submitter. Criteria: Dines et al. (Genet Med. 2020). Collection method: curation. Allele origin: germline.
Comment: Missense variant in a coldspot region where missense variants are very unlikely to be pathogenic (PMID:31911673).

BRCA1 coldspot (exon 11 using historical exon numbering). Reclassification based on statistical prior probability

Mendelics
Classification: Uncertain significance for Breast-ovarian cancer, familial, susceptibility to, 1. Last evaluated: 2019-05-28. Review status: criteria provided, single submitter. Criteria: Mendelics Assertion Criteria 2017. Collection method: clinical testing. Allele origin: unknown.

Literature cited by the submitters: PubMed 28135145 (cited by Labcorp Genetics (formerly Invitae), Labcorp and Ambry Genetics); PubMed 29020660 (cited by Labcorp Genetics (formerly Invitae), Labcorp and Ambry Genetics).